The following is an entry in ClinVar:

ClinVar aggregate classification (germline): Benign (0 of 4 stars; one submission).

Conditions:
NCOR2-related disorder. Also called: NCOR2-related condition.

Submission:

PreventionGenetics, part of Exact Sciences
Classification: Benign for NCOR2-related condition. Last evaluated: 2019-02-20. Review status: no assertion criteria provided. Collection method: clinical testing. Allele origin: germline.
Comment: This variant is classified as benign based on ACMG/AMP sequence variant interpretation guidelines (Richards et al. 2015 PMID: 25741868, with internal and published modifications).

NM_006312.6(NCOR2):c.5500AGCAGCGGC[3] (p.Gly1839_Gly1840insSerSerGly)

Gene: NCOR2 (nuclear receptor corepressor 2; minus strand). Cytogenetic location: 12q24.31.
Variant type: Microsatellite.
Coding change: c.5500AGCAGCGGC[3] on transcript NM_006312.6 (MANE Select); three copies in a row of the 9-base unit AGCAGCGGC starting at c.5500; the reference has two copies in a row; one copy, 9 bases duplicated.
Protein change: p.Gly1839_Gly1840insSerSerGly.
Genome position (GRCh38, 1-based): chr12:124,340,176-124,340,184, GCCGCTGCT duplicated on the plus strand (AGCAGCGGC on the coding strand, the reverse complement: NCOR2 is on the minus strand); duplicating any 9 consecutive bases within chr12:124,340,176-124,340,193 gives the same sequence; the position shown is the placement nearest the transcript's 3' end. VCF-style (leftmost placement, unchanged base first): chr12-124340175-C-CGCCGCTGCT. GRCh37 (hg19) VCF-style: chr12-124824721-C-CGCCGCTGCT.
Other names: c.5470AGCAGCGGC[3], p.Gly1829_Gly1830insSerSerGly (NM_001077261.4, NM_001206654.2).
Identifiers: ClinVar variation 3060014 (VCV003060014.2), dbSNP rs61519723, ClinGen allele CA6867862.